The following is an entry in ClinVar:

NM_000465.4(BARD1):c.2286G>C (p.Trp762Cys)

Gene: BARD1 (BRCA1 associated RING domain 1; minus strand). Cytogenetic location: 2q35.
Variant type: single nucleotide variant.
Coding change: c.2286G>C on transcript NM_000465.4 (MANE Select); coding-DNA position 2286, G replaced by C.
Protein change: p.Trp762Cys; replaces tryptophan 762 with cysteine.
Molecular consequence: missense variant. On other transcripts: non-coding transcript variant (3).
Genome position (GRCh38, 1-based): chr2:214,728,724, C>G on the plus strand (G>C on the coding strand, the complement: BARD1 is on the minus strand). VCF-style: chr2-214728724-C-G. GRCh37 (hg19) VCF-style: chr2-215593448-C-G.
Other names: c.2229G>C, p.Trp743Cys (NM_001282543.2); c.933G>C, p.Trp311Cys (NM_001282545.2); c.876G>C, p.Trp292Cys (NM_001282548.2); c.747G>C, p.Trp249Cys (NM_001282549.2); c.2286G>C (NM_000465.2); short protein forms W249C, W292C, W311C, W743C, W762C.
Identifiers: ClinVar variation 2421054 (VCV002421054.7), dbSNP rs1262069856, ClinGen allele CA350449896.
Genomic context (GRCh38, chr2:214,728,724, plus strand): 5'-CTGGTATAATATTCAGCTGTCAAGAGGAAGCAACTCAAAGGACATCACACAGTCTATAAA[C>G]CAGCTCGAAGGAGCCTTCCAGACTTTGCCCTGCCGAACCCTCTCTGGGTGATAATTACAC-3'
Protein context (NP_000456.2, residues 752-772): QGKVWKAPSS[Trp762Cys]FIDCVMSFEL

ClinVar aggregate classification (germline): Uncertain significance. Review status: criteria provided, multiple submitters, no conflicts (2 of 4 stars). 2 submissions from 2 submitters: Uncertain significance (2). Last evaluated 2026-01-11.

Conditions:
Hereditary cancer-predisposing syndrome. Also called: Hereditary Cancer Syndrome; Tumor predisposition; Neoplastic Syndromes, Hereditary; Hereditary neoplastic syndrome. Identifiers: Orphanet 140162, MedGen C0027672, MeSH D009386, MONDO:0015356.
Familial cancer of breast. Also called: Hereditary breast cancer; hereditary breast carcinoma; BREAST CANCER, FAMILIAL. Identifiers: Orphanet 227535, MedGen C0346153, MONDO:0016419, OMIM 114480. Disease mechanism: loss of function.

Allele frequency attached by ClinVar (database versions not stated): gnomAD exomes below 0.00001.
gnomAD v4.1: 1 of 1,614,188 alleles (0.000062%); highest among the groups gnomAD compares: Non-Finnish European, 0.000085%; no homozygotes.

Submissions (2):

Labcorp Genetics (formerly Invitae), Labcorp
Classification: Uncertain significance for Familial cancer of breast. Last evaluated: 2026-01-11. Review status: criteria provided, single submitter. Criteria: Invitae Variant Classification Sherloc (09022015). Collection method: clinical testing. Allele origin: germline.
Comment: This sequence change replaces tryptophan, which is neutral and slightly polar, with cysteine, which is neutral and slightly polar, at codon 762 of the BARD1 protein (p.Trp762Cys). This variant is not present in population databases (gnomAD no frequency). This variant has not been reported in the literature in individuals affected with BARD1-related conditions. ClinVar contains an entry for this variant (Variation ID: 2421054). An algorithm developed to predict the effect of missense changes on protein structure and function (PolyPhen-2) suggests that this variant is likely to be disruptive. In summary, the available evidence is currently insufficient to determine the role of this variant in disease. Therefore, it has been classified as a Variant of Uncertain Significance.

Ambry Genetics
Classification: Uncertain significance for Hereditary cancer-predisposing syndrome. Last evaluated: 2024-09-30. Review status: criteria provided, single submitter. Criteria: Ambry Variant Classification Scheme 2023. Collection method: clinical testing. Allele origin: germline.
Comment: The p.W762C variant (also known as c.2286G>C), located in coding exon 11 of the BARD1 gene, results from a G to C substitution at nucleotide position 2286. The tryptophan at codon 762 is replaced by cysteine, an amino acid with highly dissimilar properties. This amino acid position is conserved. In addition, this alteration is predicted to be deleterious by in silico analysis. Based on the available evidence, the clinical significance of this variant remains unclear.